The following is an entry in ClinVar:

NM_001330260.2(SCN8A):c.5149C>G (p.Arg1717Gly)

Gene: SCN8A (sodium voltage-gated channel alpha subunit 8; plus strand). Cytogenetic location: 12q13.13.
Variant type: single nucleotide variant.
Coding change: c.5149C>G on transcript NM_001330260.2 (MANE Select); coding-DNA position 5149, C replaced by G.
Protein change: p.Arg1717Gly; replaces arginine 1717 with glycine.
Molecular consequence: missense variant.
Genome position (GRCh38, 1-based): chr12:51,806,635, C>G. VCF-style: chr12-51806635-C-G. GRCh37 (hg19) VCF-style: chr12-52200419-C-G.
Other names: c.5026C>G, p.Arg1676Gly (NM_001177984.3, NM_001369788.1); c.5149C>G, p.Arg1717Gly (NM_014191.4); short protein forms R1676G, R1717G.
Identifiers: ClinVar variation 1391706 (VCV001391706.7), dbSNP rs1451912147, ClinGen allele CA384883895.

ClinVar aggregate classification (germline): Uncertain significance (1 of 4 stars; one submission).

Conditions:
Early-infantile DEE. Also called: Early infantile epileptic encephalopathy with suppression bursts; Early infantile epileptic encephalopathy; Ohtahara syndrome. Identifiers: Orphanet 1934, MedGen C0393706, MONDO:0800491.

gnomAD v4.1: 1 of 1,614,122 alleles (0.000062%); highest among the groups gnomAD compares: Non-Finnish European, 0.000085%; no homozygotes.

Submission:

Labcorp Genetics (formerly Invitae), Labcorp
Classification: Uncertain significance for Early-infantile DEE. Last evaluated: 2024-10-30. Review status: criteria provided, single submitter. Criteria: Invitae Variant Classification Sherloc (09022015). Collection method: clinical testing. Allele origin: germline.
Comment: This sequence change replaces arginine, which is basic and polar, with glycine, which is neutral and non-polar, at codon 1717 of the SCN8A protein (p.Arg1717Gly). This variant is not present in population databases (gnomAD no frequency). This variant has not been reported in the literature in individuals affected with SCN8A-related conditions. ClinVar contains an entry for this variant (Variation ID: 1391706). Invitae Evidence Modeling of protein sequence and biophysical properties (such as structural, functional, and spatial information, amino acid conservation, physicochemical variation, residue mobility, and thermodynamic stability) indicates that this missense variant is not expected to disrupt SCN8A protein function with a negative predictive value of 95%. In summary, the available evidence is currently insufficient to determine the role of this variant in disease. Therefore, it has been classified as a Variant of Uncertain Significance.